The following is an entry in ClinVar:

ClinVar aggregate classification (germline): Uncertain significance (1 of 4 stars; one submission).

Conditions:
Familial hypobetalipoproteinemia 1. Also called: APOB-Related Familial Hypobetalipoproteinemia; Hypobetalipoproteinemia, normotriglyceridemic; Acanthocytosis with hypobetalipoproteinemia. Identifiers: MedGen C4551990, MONDO:0014252, OMIM 615558.
Hypercholesterolemia, autosomal dominant, type B (FHCL2). Also called: Familial Hypercholesterolemia Type B; APOLIPOPROTEIN B-100, FAMILIAL DEFECTIVE; APOLIPOPROTEIN B-100, FAMILIAL LIGAND-DEFECTIVE; HYPERCHOLESTEROLEMIA, FAMILIAL, DUE TO LIGAND-DEFECTIVE APOLIPOPROTEIN B; Hyperlipoproteinemia Type IIb; Familial hypercholesterolemia 2. Identifiers: MedGen C1704417, MONDO:0007751, OMIM 144010.

Submission:

Labcorp Genetics (formerly Invitae), Labcorp
Classification: Uncertain significance for Familial hypobetalipoproteinemia 1; Hypercholesterolemia, autosomal dominant, type B. Last evaluated: 2023-03-19. Review status: criteria provided, single submitter. Criteria: Invitae Variant Classification Sherloc (09022015). Collection method: clinical testing. Allele origin: germline.
Comment: This sequence change replaces aspartic acid, which is acidic and polar, with tyrosine, which is neutral and polar, at codon 2237 of the APOB protein (p.Asp2237Tyr). This variant is not present in population databases (gnomAD no frequency). This variant has not been reported in the literature in individuals affected with APOB-related conditions. Advanced modeling of protein sequence and biophysical properties (such as structural, functional, and spatial information, amino acid conservation, physicochemical variation, residue mobility, and thermodynamic stability) performed at Invitae indicates that this missense variant is not expected to disrupt APOB protein function. In summary, the available evidence is currently insufficient to determine the role of this variant in disease. Therefore, it has been classified as a Variant of Uncertain Significance.

NM_000384.3(APOB):c.6709G>T (p.Asp2237Tyr)

Gene: APOB (apolipoprotein B; minus strand). Cytogenetic location: 2p24.1.
Variant type: single nucleotide variant.
Coding change: c.6709G>T on transcript NM_000384.3 (MANE Select); coding-DNA position 6709, G replaced by T.
Protein change: p.Asp2237Tyr; replaces aspartic acid 2237 with tyrosine.
Molecular consequence: missense variant.
Genome position (GRCh38, 1-based): chr2:21,010,159, C>A on the plus strand (G>T on the coding strand, the complement: APOB is on the minus strand). VCF-style: chr2-21010159-C-A. GRCh37 (hg19) VCF-style: chr2-21233031-C-A.
Other names: short protein forms D2237Y.
Identifiers: ClinVar variation 2940046 (VCV002940046.3), dbSNP rs1247179286, ClinGen allele CA346000921.
Genomic context (GRCh38, chr2:21,010,159, plus strand): 5'-GGTACTTAGTATCCACATTTTGAATCCAGGATGCAGTACTACTTCCACTTTTGTTAAAAT[C>A]AATATTTTCAATAAACAAATGTAGATCATGGATTGTTTTTACTAAATTTACACGGATATG-3'
Protein context (NP_000375.3, residues 2227-2247): HDLHLFIENI[Asp2237Tyr]FNKSGSSTAS